The following is an entry in ClinVar:

NM_021098.3(CACNA1H):c.344T>C (p.Val115Ala)

Gene: CACNA1H (calcium voltage-gated channel subunit alpha1 H; plus strand). Cytogenetic location: 16p13.3.
Variant type: single nucleotide variant.
Coding change: c.344T>C on transcript NM_021098.3 (MANE Select); coding-DNA position 344, T replaced by C.
Protein change: p.Val115Ala; replaces valine 115 with alanine.
Molecular consequence: missense variant.
Genome position (GRCh38, 1-based): chr16:1,195,016, T>C. VCF-style: chr16-1195016-T-C. GRCh37 (hg19) VCF-style: chr16-1245016-T-C.
Other names: c.344T>C, p.Val115Ala (NM_001005407.2); short protein forms V115A.
Identifiers: ClinVar variation 2937642 (VCV002937642.3), dbSNP rs2548602429, ClinGen allele CA394152118.

ClinVar aggregate classification (germline): Uncertain significance (1 of 4 stars; one submission).

Conditions:
Idiopathic generalized epilepsy. Also called: EIG; Generalised epilepsy. Identifiers: MedGen C0270850, MONDO:0005579, OMIM 600669.
Hyperaldosteronism, familial, type IV (HALD4). Also called: FH IV; ALDOSTERONISM, PRIMARY, AND HYPERTENSION. Identifiers: Orphanet 642671, MedGen C4310756, MONDO:0014875, OMIM 617027.

Allele frequency attached by ClinVar (database versions not stated): gnomAD exomes below 0.00001.
gnomAD v4.1: 2 of 1,612,360 alleles (0.00012%); highest among the groups gnomAD compares: Non-Finnish European, 0.00017%; no homozygotes.

Submission:

Labcorp Genetics (formerly Invitae), Labcorp
Classification: Uncertain significance for Idiopathic generalized epilepsy; Hyperaldosteronism, familial, type IV. Last evaluated: 2025-01-06. Review status: criteria provided, single submitter. Criteria: Invitae Variant Classification Sherloc (09022015). Collection method: clinical testing. Allele origin: germline.
Comment: This sequence change replaces valine, which is neutral and non-polar, with alanine, which is neutral and non-polar, at codon 115 of the CACNA1H protein (p.Val115Ala). This variant is not present in population databases (gnomAD no frequency). This variant has not been reported in the literature in individuals affected with CACNA1H-related conditions. ClinVar contains an entry for this variant (Variation ID: 2937642). Invitae Evidence Modeling of protein sequence and biophysical properties (such as structural, functional, and spatial information, amino acid conservation, physicochemical variation, residue mobility, and thermodynamic stability) has been performed for this missense variant. However, the output from this modeling did not meet the statistical confidence thresholds required to predict the impact of this variant on CACNA1H protein function. In summary, the available evidence is currently insufficient to determine the role of this variant in disease. Therefore, it has been classified as a Variant of Uncertain Significance.